The following is an entry in ClinVar:

ClinVar aggregate classification (germline): Uncertain significance (1 of 4 stars; one submission).

Submission:

Ambry Genetics
Classification: Uncertain significance. Last evaluated: 2023-11-03. Review status: criteria provided, single submitter. Criteria: Ambry Variant Classification Scheme 2023. Collection method: clinical testing. Allele origin: germline.
Comment: The p.S1819P variant (also known as c.5455T>C), located in coding exon 16 of the POLQ gene, results from a T to C substitution at nucleotide position 5455. The serine at codon 1819 is replaced by proline, an amino acid with similar properties. This amino acid position is conserved. In addition, this alteration is predicted to be tolerated by in silico analysis. Since supporting evidence is limited at this time, the clinical significance of this alteration remains unclear.

NM_199420.4(POLQ):c.5455T>C (p.Ser1819Pro)

Gene: POLQ (DNA polymerase theta; minus strand). Cytogenetic location: 3q13.33.
Variant type: single nucleotide variant.
Coding change: c.5455T>C on transcript NM_199420.4 (MANE Select); coding-DNA position 5455, T replaced by C.
Protein change: p.Ser1819Pro; replaces serine 1819 with proline.
Molecular consequence: missense variant.
Genome position (GRCh38, 1-based): chr3:121,487,476, A>G on the plus strand (T>C on the coding strand, the complement: POLQ is on the minus strand). VCF-style: chr3-121487476-A-G. GRCh37 (hg19) VCF-style: chr3-121206323-A-G.
Other names: short protein forms S1819P.
Identifiers: ClinVar variation 1747635 (VCV001747635.2), dbSNP rs760774027, ClinGen allele CA354090148.